The following is an entry in ClinVar:

NM_001130987.2(DYSF):c.408_409delinsG (p.Pro137fs)

Gene: DYSF (dysferlin; plus strand). Cytogenetic location: 2p13.2.
Variant type: Indel.
Coding change: c.408_409delinsG on transcript NM_001130987.2 (MANE Select); coding-DNA positions 408 to 409, CC replaced by G.
Protein change: p.Pro137fs; shifts the reading frame from proline 137.
Molecular consequence: frameshift variant.
Genome position (GRCh38, 1-based): chr2:71,511,869-71,511,870, CC replaced by G. VCF-style: chr2-71511869-CC-G. GRCh37 (hg19) VCF-style: chr2-71738999-CC-G.
Other names: c.408_409delinsG, p.Pro137fs (NM_001130455.2, NM_001130982.2, NM_001130983.2 and 3 more transcripts); c.405_406delinsG, p.Pro136fs (NM_001130976.2, NM_001130977.2, NM_001130978.2 and 4 more transcripts); short protein forms P136fs, P137fs.
Identifiers: ClinVar variation 1726192 (VCV001726192.3), dbSNP rs2545377069, ClinGen allele CA2580067764.

ClinVar aggregate classification (germline): Likely pathogenic (1 of 4 stars; one submission).

Conditions:
Autosomal recessive limb-girdle muscular dystrophy. Identifiers: Orphanet 102015, MedGen C2931907, MONDO:0015152.

Submission:

Myriad Genetics, Inc.
Classification: Likely pathogenic for Autosomal recessive limb-girdle muscular dystrophy. Last evaluated: 2022-05-21. Review status: criteria provided, single submitter. Criteria: Myriad Autosomal Dominant, Autosomal Recessive and X-Linked Classification Criteria (2023). Collection method: clinical testing. Allele origin: unknown.
Comment: NM_003494.3(DYSF):c.405_406delCCinsG(P136Lfs*15) is expected to be pathogenic in the context of dysferlinopathy. This variant is predicted to lead to an abnormal or absent protein product due to the creation of a premature termination codon in DYSF, a gene where loss-of-function variants are known to be pathogenic. Please note: this variant was assessed in the context of healthy population screening.